The following is an entry in ClinVar:

ClinVar aggregate classification (germline): Uncertain significance (1 of 4 stars; one submission).

Allele frequency attached by ClinVar (database versions not stated): gnomAD exomes below 0.00001; ExAC 0.00001; TOPMed 0.00001; gnomAD 0.00002; ESP Exome Variant Server 0.00008.
gnomAD v4.1: 6 of 1,613,996 alleles (0.00037%); highest among the groups gnomAD compares: Non-Finnish European, 0.00051%; no homozygotes.

Submission:

Labcorp Genetics (formerly Invitae), Labcorp
Classification: Uncertain significance. Last evaluated: 2021-09-05. Review status: criteria provided, single submitter. Criteria: Invitae Variant Classification Sherloc (09022015). Collection method: clinical testing. Allele origin: germline.
Comment: This variant has not been reported in the literature in individuals affected with MYLK3-related conditions. This variant is present in population databases (rs370527121, ExAC 0.002%). This sequence change replaces valine with glycine at codon 613 of the MYLK3 protein (p.Val613Gly). The valine residue is moderately conserved and there is a moderate physicochemical difference between valine and glycine. Algorithms developed to predict the effect of missense changes on protein structure and function are either unavailable or do not agree on the potential impact of this missense change (SIFT: "Tolerated"; PolyPhen-2: "Probably Damaging"; Align-GVGD: "Class C0"). In summary, the available evidence is currently insufficient to determine the role of this variant in disease. Therefore, it has been classified as a Variant of Uncertain Significance.

NM_182493.3(MYLK3):c.1838T>G (p.Val613Gly)

Gene: MYLK3 (myosin light chain kinase 3; minus strand). Cytogenetic location: 16q11.2.
Variant type: single nucleotide variant.
Coding change: c.1838T>G on transcript NM_182493.3 (MANE Select); coding-DNA position 1838, T replaced by G.
Protein change: p.Val613Gly; replaces valine 613 with glycine.
Molecular consequence: missense variant.
Genome position (GRCh38, 1-based): chr16:46,727,312, A>C on the plus strand (T>G on the coding strand, the complement: MYLK3 is on the minus strand). VCF-style: chr16-46727312-A-C. GRCh37 (hg19) VCF-style: chr16-46761224-A-C.
Other names: c.815T>G, p.Val272Gly (NM_001308301.1); short protein forms V272G, V613G.
Identifiers: ClinVar variation 1379707 (VCV001379707.6), dbSNP rs370527121, ClinGen allele CA8037831.